The following is an entry in ClinVar:

ClinVar aggregate classification (germline): Pathogenic/Likely pathogenic. Review status: criteria provided, multiple submitters, no conflicts (2 of 4 stars). 3 submissions from 3 submitters: Pathogenic (2); Likely pathogenic (1). Last evaluated 2025-07-03.

Conditions:
AXIN2-related disorder.
Oligodontia-cancer predisposition syndrome. Also called: TOOTH AGENESIS-COLORECTAL CANCER SYNDROME. Identifiers: Orphanet 300576, MedGen C1837750, MONDO:0012075, OMIM 608615. Disease mechanism: loss of function.
Hereditary cancer-predisposing syndrome. Also called: Tumor predisposition; Neoplastic Syndromes, Hereditary; Hereditary Cancer Syndrome; Hereditary neoplastic syndrome. Identifiers: Orphanet 140162, MedGen C0027672, MeSH D009386, MONDO:0015356.

Allele frequency attached by ClinVar (database versions not stated): gnomAD exomes below 0.00001; ExAC 0.00001.
gnomAD v4.1: 1 of 1,614,232 alleles (0.000062%); highest among the groups gnomAD compares: Non-Finnish European, 0.000085%; no homozygotes.

Submissions (3):

Ambry Genetics
Classification: Pathogenic for Hereditary cancer-predisposing syndrome. Last evaluated: 2025-07-03. Review status: criteria provided, single submitter. Criteria: Ambry Variant Classification Scheme 2023. Collection method: clinical testing. Allele origin: germline.
Comment: The p.Q760* pathogenic mutation (also known as c.2278C>T), located in coding exon 9 of the AXIN2 gene, results from a C to T substitution at nucleotide position 2278. This changes the amino acid from a glutamine to a stop codon within coding exon 9. This alteration is expected to result in loss of function by premature protein truncation or nonsense-mediated mRNA decay. As such, this alteration is interpreted as a disease-causing mutation.

PreventionGenetics, part of Exact Sciences
Classification: Likely pathogenic for AXIN2-related condition. Last evaluated: 2023-04-03. Review status: criteria provided, single submitter. Criteria: ACMG Guidelines, 2015. Collection method: clinical testing. Allele origin: germline.
Comment: The AXIN2 c.2278C>T variant is predicted to result in premature protein termination (p.Gln760*). To our knowledge, this variant has not been reported in the literature. This variant is reported in 0.00088% of alleles in individuals of European (Non-Finnish) descent in gnomAD. Nonsense variants in AXIN2 are expected to be pathogenic. This variant is interpreted as likely pathogenic.

Labcorp Genetics (formerly Invitae), Labcorp
Classification: Pathogenic for Oligodontia-cancer predisposition syndrome. Last evaluated: 2021-12-12. Review status: criteria provided, single submitter. Criteria: Invitae Variant Classification Sherloc (09022015). Collection method: clinical testing. Allele origin: germline.
Comment: This sequence change creates a premature translational stop signal (p.Gln760*) in the AXIN2 gene. It is expected to result in an absent or disrupted protein product. Loss-of-function variants in AXIN2 are known to be pathogenic (PMID: 15042511, 21416598). This variant is present in population databases (rs752865337, gnomAD 0.0009%). This variant has not been reported in the literature in individuals affected with AXIN2-related conditions. For these reasons, this variant has been classified as Pathogenic.

Literature cited by the submitters: PubMed 15042511 (cited by Labcorp Genetics (formerly Invitae), Labcorp); PubMed 21416598 (cited by Labcorp Genetics (formerly Invitae), Labcorp).

NM_004655.4(AXIN2):c.2278C>T (p.Gln760Ter)

Gene: AXIN2 (axin 2; minus strand). Cytogenetic location: 17q24.1.
Variant type: single nucleotide variant.
Coding change: c.2278C>T on transcript NM_004655.4 (MANE Select); coding-DNA position 2278, C replaced by T.
Protein change: p.Gln760Ter; replaces glutamine 760 with a stop codon.
Molecular consequence: nonsense.
Genome position (GRCh38, 1-based): chr17:65,534,039, G>A on the plus strand (C>T on the coding strand, the complement: AXIN2 is on the minus strand). VCF-style: chr17-65534039-G-A. GRCh37 (hg19) VCF-style: chr17-63530157-G-A.
Other names: c.2083C>T, p.Gln695Ter (NM_001363813.1); short protein forms Q695*, Q760*.
Identifiers: ClinVar variation 2085310 (VCV002085310.6), dbSNP rs752865337, ClinGen allele CA8718329.
Genomic context (GRCh38, chr17:65,534,039, plus strand): 5'-TCCTCCGGTATGGAATTTCTTCCCCACAGAAAAAGTAAGTGACAACCAACTCACTGGCCT[G>A]GAGCGCGTGGACACCTGCCAGTTTCTTTGGCTCTTTGTGACTGAAAATAAGATGGAATGG-3'